The following is an entry in ClinVar:

NM_181882.3(PRX):c.4135C>A (p.Pro1379Thr)

Gene: PRX (periaxin; minus strand). Cytogenetic location: 19q13.2.
Variant type: single nucleotide variant.
Coding change: c.4135C>A on transcript NM_181882.3 (MANE Select); coding-DNA position 4135, C replaced by A.
Protein change: p.Pro1379Thr; replaces proline 1379 with threonine.
Molecular consequence: missense variant. On other transcripts: 3 prime UTR variant (1).
Genome position (GRCh38, 1-based): chr19:40,394,217, G>T on the plus strand (C>A on the coding strand, the complement: PRX is on the minus strand). VCF-style: chr19-40394217-G-T. GRCh37 (hg19) VCF-style: chr19-40900124-G-T.
Other names: c.4420C>A, p.Pro1474Thr (NM_001411127.1); c.*4340C>A (NM_020956.2); short protein forms P1474T, P1379T.
Identifiers: ClinVar variation 3571687 (VCV003571687.2).

ClinVar aggregate classification (germline): Uncertain significance. Review status: criteria provided, multiple submitters, no conflicts (2 of 4 stars). 2 submissions from 2 submitters: Uncertain significance (2). Last evaluated 2025-12-08.

Conditions:
Inborn genetic diseases. Identifiers: MedGen C0950123, MeSH D030342.

Submissions (2):

Ambry Genetics
Classification: Uncertain significance for Inborn genetic diseases. Last evaluated: 2025-12-08. Review status: criteria provided, single submitter. Criteria: Ambry Variant Classification Scheme 2023. Collection method: clinical testing. Allele origin: germline.

Athena Diagnostics
Classification: Uncertain significance. Last evaluated: 2024-10-24. Review status: criteria provided, single submitter. Criteria: Athena Diagnostics Criteria. Collection method: clinical testing. Allele origin: unknown.
Comment: Available data are insufficient to determine the clinical significance of the variant at this time. This variant has not been reported in large, multi-ethnic general populations. Polyphen and MutationTaster yielded discordant predictions regarding whether this amino acid change is damaging to the protein.